The following is an entry in ClinVar:

NM_012154.5(AGO2):c.1073A>T (p.Asp358Val)

Gene: AGO2 (argonaute RISC catalytic component 2; minus strand). Cytogenetic location: 8q24.3.
Variant type: single nucleotide variant.
Coding change: c.1073A>T on transcript NM_012154.5 (MANE Select); coding-DNA position 1073, A replaced by T.
Protein change: p.Asp358Val; replaces aspartic acid 358 with valine.
Molecular consequence: missense variant.
Genome position (GRCh38, 1-based): chr8:140,556,240, T>A on the plus strand (A>T on the coding strand, the complement: AGO2 is on the minus strand). VCF-style: chr8-140556240-T-A. GRCh37 (hg19) VCF-style: chr8-141566339-T-A.
Other names: c.1073A>T, p.Asp358Val (NM_001164623.3); short protein forms D358V.
Identifiers: ClinVar variation 1315853 (VCV001315853.2), dbSNP rs2132928647, ClinGen allele CA372322039.

ClinVar aggregate classification (germline): Uncertain significance (1 of 4 stars; one submission).

Submission:

GeneDx
Classification: Uncertain significance. Last evaluated: 2019-10-23. Review status: criteria provided, single submitter. Criteria: GeneDx Variant Classification Process June 2021. Collection method: clinical testing. Allele origin: germline. Affected: yes.
Comment: Not observed in large population cohorts (Lek et al., 2016); In silico analysis, which includes protein predictors and evolutionary conservation, supports a deleterious effect; Has not been previously published as pathogenic or benign to our knowledge; Variants in candidate genes are classified as variants of uncertain significance in accordance with ACMG guidelines (Richards et al., 2015)